The following is an entry in ClinVar:

NM_017791.3(FLVCR2):c.721_731del (p.Glu241fs)

Gene: FLVCR2 (FLVCR choline and putative heme transporter 2; plus strand). Cytogenetic location: 14q24.3.
Variant type: Deletion.
Coding change: c.721_731del on transcript NM_017791.3 (MANE Select); coding-DNA positions 721 to 731, 11 bases deleted (GAAGACCGGGA).
Protein change: p.Glu241fs; shifts the reading frame from glutamic acid 241.
Molecular consequence: frameshift variant.
Genome position (GRCh38, 1-based): chr14:75,622,130-75,622,140, GAAGACCGGGA deleted. VCF-style (leftmost placement, unchanged base first): chr14-75622129-TGAAGACCGGGA-T. GRCh37 (hg19) VCF-style: chr14-76088472-TGAAGACCGGGA-T.
Other names: c.106_116del, p.Glu36fs (NM_001195283.2); short protein forms E241fs, E36fs.
Identifiers: ClinVar variation 2227177 (VCV002227177.2), dbSNP rs748711517, ClinGen allele CA7278288.

ClinVar aggregate classification (germline): Pathogenic (1 of 4 stars; one submission).

Conditions:
Inborn genetic diseases. Identifiers: MedGen C0950123, MeSH D030342.

Allele frequency attached by ClinVar (database versions not stated): gnomAD exomes below 0.00001; ExAC 0.00001.

Submission:

Ambry Genetics
Classification: Pathogenic for Inborn genetic diseases. Last evaluated: 2024-01-10. Review status: criteria provided, single submitter. Criteria: Ambry Variant Classification Scheme 2023. Collection method: clinical testing. Allele origin: germline.
Comment: The c.721_731del11 (p.E241Rfs*33) alteration, located in coding exon 2 of the FLVCR2 gene, results from a deletion of 11 nucleotides from position 721 to 731, causing a translational frameshift with a predicted alternate stop codon after 33 amino acids. This alteration is expected to result in loss of function by premature protein truncation or nonsense-mediated mRNA decay. Based on data from gnomAD, this allele has an overall frequency of <0.001% (1/251330) total alleles studied. The highest observed frequency was 0.003% (1/30616) of South Asian alleles. Based on the available evidence, this alteration is classified as pathogenic.